The following is an entry in ClinVar:

NM_016169.4(SUFU):c.455-10T>A

Gene: SUFU (SUFU negative regulator of hedgehog signaling; plus strand). Cytogenetic location: 10q24.32.
Variant type: single nucleotide variant.
Coding change: c.455-10T>A on transcript NM_016169.4 (MANE Select); 10 bases into the intron before coding-DNA position 455, T replaced by A.
Molecular consequence: intron variant.
Genome position (GRCh38, 1-based): chr10:102,592,572, T>A. VCF-style: chr10-102592572-T-A. GRCh37 (hg19) VCF-style: chr10-104352329-T-A.
Other names: c.455-10T>A (NM_001178133.2).
Identifiers: ClinVar variation 2941733 (VCV002941733.3), dbSNP rs2545080803, ClinGen allele CA2740093520.

ClinVar aggregate classification (germline): Uncertain significance (1 of 4 stars; one submission).

Conditions:
Gorlin syndrome. Also called: Nevoid Basal Cell Carcinoma Syndrome; Basal cell nevus syndrome. Identifiers: Orphanet 377, MedGen C0004779, MONDO:0007187.
Medulloblastoma (MDB). Also called: MEDULLOBLASTOMA PREDISPOSITION SYNDROME; Medulloblastoma, somatic. Identifiers: Orphanet 616, MedGen C0025149, MeSH D008527, MONDO:0007959, OMIM 155255, HP:0002885.

Submission:

Labcorp Genetics (formerly Invitae), Labcorp
Classification: Uncertain significance for Gorlin syndrome; Medulloblastoma. Last evaluated: 2023-10-09. Review status: criteria provided, single submitter. Criteria: Invitae Variant Classification Sherloc (09022015). Collection method: clinical testing. Allele origin: germline.
Comment: This sequence change falls in intron 3 of the SUFU gene. It does not directly change the encoded amino acid sequence of the SUFU protein. This variant is not present in population databases (gnomAD no frequency). This variant has not been reported in the literature in individuals affected with SUFU-related conditions. Algorithms developed to predict the effect of sequence changes on RNA splicing suggest that this variant may disrupt the consensus splice site. In summary, the available evidence is currently insufficient to determine the role of this variant in disease. Therefore, it has been classified as a Variant of Uncertain Significance.